The following is an entry in ClinVar:

ClinVar aggregate classification (germline): Uncertain significance. Review status: criteria provided, multiple submitters, no conflicts (2 of 4 stars). 5 submissions from 5 submitters: Uncertain significance (4). 1 of the submissions does not count toward it. Last evaluated 2024-05-28.

Conditions:
Hereditary cancer-predisposing syndrome. Also called: Hereditary Cancer Syndrome; Neoplastic Syndromes, Hereditary; Hereditary neoplastic syndrome; Tumor predisposition. Identifiers: Orphanet 140162, MedGen C0027672, MeSH D009386, MONDO:0015356.
Microcephaly, normal intelligence and immunodeficiency (NBS). Also called: Nijmegen breakage syndrome; Microcephaly with normal intelligence immunodeficiency and lymphoreticular malignancies; Nonsyndromal microcephaly autosomal recessive with normal intelligence; Seemanova syndrome 2; Immunodeficiency, microcephaly with normal intelligence; Ataxia telangiectasia variant V1. Identifiers: Orphanet 647, MedGen C0398791, MONDO:0009623, OMIM 251260.

Allele frequency attached by ClinVar (database versions not stated): gnomAD exomes below 0.00001.
gnomAD v4.1: 1 of 1,613,364 alleles (0.000062%); highest among the groups gnomAD compares: Non-Finnish European, 0.000085%; no homozygotes.

Submissions (5):

Ambry Genetics
Classification: Uncertain significance for Hereditary cancer-predisposing syndrome. Last evaluated: 2024-05-28. Review status: criteria provided, single submitter. Criteria: Ambry Variant Classification Scheme 2023. Collection method: clinical testing. Allele origin: germline.
Comment: The p.D596V variant (also known as c.1787A>T), located in coding exon 11 of the NBN gene, results from an A to T substitution at nucleotide position 1787. The aspartic acid at codon 596 is replaced by valine, an amino acid with highly dissimilar properties. This amino acid position is not well conserved in available vertebrate species. In addition, this alteration is predicted to be tolerated by in silico analysis. Since supporting evidence is limited at this time, the clinical significance of this alteration remains unclear.

Labcorp Genetics (formerly Invitae), Labcorp
Classification: Uncertain significance for Microcephaly, normal intelligence and immunodeficiency. Last evaluated: 2023-10-16. Review status: criteria provided, single submitter. Criteria: Invitae Variant Classification Sherloc (09022015). Collection method: clinical testing. Allele origin: germline.
Comment: This sequence change replaces aspartic acid, which is acidic and polar, with valine, which is neutral and non-polar, at codon 596 of the NBN protein (p.Asp596Val). This variant is not present in population databases (gnomAD no frequency). This variant has not been reported in the literature in individuals affected with NBN-related conditions. ClinVar contains an entry for this variant (Variation ID: 820085). An algorithm developed to predict the effect of missense changes on protein structure and function (PolyPhen-2) suggests that this variant is likely to be tolerated. In summary, the available evidence is currently insufficient to determine the role of this variant in disease. Therefore, it has been classified as a Variant of Uncertain Significance.

Genome-Nilou Lab
Classification: Uncertain significance for Microcephaly, normal intelligence and immunodeficiency. Last evaluated: 2021-11-07. Review status: criteria provided, single submitter. Criteria: ACMG Guidelines, 2015. Collection method: clinical testing. Allele origin: germline. Affected: no.

Institute for Clinical Genetics, University Hospital TU Dresden, University Hospital TU Dresden
Classification: Uncertain significance. Last evaluated: 2021-11-03. Review status: criteria provided, single submitter. Criteria: ACMG Guidelines, 2015. Collection method: clinical testing. Allele origin: germline.

Natera, Inc.
Classification: Uncertain significance for Nijmegen breakage syndrome. Last evaluated: 2021-03-25. Review status: no assertion criteria provided. Collection method: clinical testing. Allele origin: germline. Not counted in ClinVar's aggregate classification.

NM_002485.5(NBN):c.1787A>T (p.Asp596Val)

Gene: NBN (nibrin; minus strand). Cytogenetic location: 8q21.3.
Variant type: single nucleotide variant.
Coding change: c.1787A>T on transcript NM_002485.5 (MANE Select); coding-DNA position 1787, A replaced by T.
Protein change: p.Asp596Val; replaces aspartic acid 596 with valine.
Molecular consequence: missense variant.
Genome position (GRCh38, 1-based): chr8:89,953,302, T>A on the plus strand (A>T on the coding strand, the complement: NBN is on the minus strand). VCF-style: chr8-89953302-T-A. GRCh37 (hg19) VCF-style: chr8-90965530-T-A.
Other names: c.1541A>T, p.Asp514Val (NM_001024688.3); short protein forms D514V, D596V.
Identifiers: ClinVar variation 820085 (VCV000820085.23), dbSNP rs1005715125, ClinGen allele CA371655089.
Genomic context (GRCh38, chr8:89,953,302, plus strand): 5'-ACAGATATTTTGCTACTTTCTGGTACTGCTTCATCACTGAAAGTGTCATTTGTTTCTATA[T>A]CCATCCTTGGCCTTTTTCTAACATTGACATCTTCCTCCTGTTTTTGAACTTTCACATCAA-3'
Protein context (NP_002476.2, residues 586-606): DVNVRKRPRM[Asp596Val]IETNDTFSDE